The following is an entry in ClinVar:

NM_201384.3(PLEC):c.13479_13490dup (p.4491TGSR[3])

Gene: PLEC (plectin; minus strand). Cytogenetic location: 8q24.3.
Variant type: Duplication.
Coding change: c.13479_13490dup on transcript NM_201384.3 (MANE Select); coding-DNA positions 13479 to 13490, 12 bases duplicated (GCGCACCGGCTC).
Protein change: p.4491TGSR[3].
Molecular consequence: inframe insertion.
Genome position (GRCh38, 1-based): chr8:143,916,331-143,916,342, GAGCCGGTGCGC duplicated on the plus strand (GCGCACCGGCTC on the coding strand, the reverse complement: PLEC is on the minus strand); duplicating any 12 consecutive bases within chr8:143,916,331-143,916,353 gives the same sequence; the c. name uses the placement nearest the transcript's 3' end. VCF-style (leftmost placement, unchanged base first): chr8-143916330-G-GGAGCCGGTGCGC. GRCh37 (hg19) VCF-style: chr8-144990498-G-GGAGCCGGTGCGC.
Other names: c.13560_13571dup, p.4518TGSR[3] (NM_000445.5); c.13437_13448dup, p.4477TGSR[3] (NM_201378.4); c.13413_13424dup, p.4469TGSR[3] (NM_201379.3); c.13890_13901dup, p.4628TGSR[3] (NM_201380.4); c.13383_13394dup, p.4459TGSR[3] (NM_201381.3); c.13479_13490dup, p.4491TGSR[3] (NM_201382.4); c.13491_13502dup, p.4495TGSR[3] (NM_201383.3); c.13560_13571dup12 (NM_000445.4).
Identifiers: ClinVar variation 1050680 (VCV001050680.6), dbSNP rs782472576, ClinGen allele CA4923783.
Genomic context (GRCh38, chr8:143,916,330, plus strand): 5'-GAAGGTCATGGAGAAGCCGGAGCCGGTGGCGTCAAAGCTGCCGCGGCGGGAGCCGGCCCG[G>GGAGCCGGTGCGC]GAGCCGGTGCGCGAGCCGGTGCGGGAGCCAGCGGTAGAGCCGGAGCCGCTGACGCTGTAG-3'

ClinVar aggregate classification (germline): Uncertain significance. Review status: criteria provided, multiple submitters, no conflicts (2 of 4 stars). 3 submissions from 3 submitters: Uncertain significance (2). 1 of the submissions does not count toward it. Last evaluated 2026-03-18.

Conditions:
PLEC-related disorder. Also called: PLEC-related disorders; PLEC-related condition.
Epidermolysis bullosa simplex 5C, with pyloric atresia (EBS5C). Also called: PLEC-Related Epidermolysis Bullosa with Pyloric Atresia; Epidermolysis bullosa simplex with pyloric atresia; PLEC1-Related Epidermolysis Bullosa with Pyloric Atresia. Identifiers: Orphanet 158684, MedGen C2677349, MONDO:0012807, OMIM 612138.
Epidermolysis bullosa simplex with nail dystrophy (EBS5D). Identifiers: MedGen C4225309, MONDO:0014661, OMIM 616487.
Autosomal recessive limb-girdle muscular dystrophy type 2Q (LGMDR17). Also called: MUSCULAR DYSTROPHY, LIMB-GIRDLE, AUTOSOMAL RECESSIVE 17. Identifiers: Orphanet 254361, MedGen C3150989, MONDO:0013390, OMIM 613723.
Epidermolysis bullosa simplex 5B, with muscular dystrophy (EBS5B). Also called: EPIDERMOLYSIS BULLOSA SIMPLEX AND LIMB-GIRDLE MUSCULAR DYSTROPHY; Epidermolysis bullosa simplex with muscular dystrophy. Identifiers: Orphanet 257, MedGen C2931072, MONDO:0009181, OMIM 226670.
Epidermolysis bullosa simplex, Ogna type (EBS5A). Also called: Pidermolysis bullosa simplex 5A, Ogna type; EPIDERMOLYSIS BULLOSA SIMPLEX 5A, OGNA TYPE. Identifiers: Orphanet 79401, MedGen C0432317, MONDO:0007555, OMIM 131950.

Submissions (3):

PreventionGenetics, part of Exact Sciences
Classification: Uncertain significance for PLEC-related condition. Last evaluated: 2026-03-18. Review status: criteria provided, single submitter. Criteria: ACMG Guidelines, 2015. Collection method: clinical testing. Allele origin: germline.
Comment: The PLEC c.13560_13571dup12 variant is predicted to result in an in-frame duplication (p.Thr4522_Arg4525dup). To our knowledge, this variant has not been reported in the literature. This variant is reported in 0.0063% of alleles in individuals of Latino descent in gnomAD. At this time, the clinical significance of this variant is uncertain due to the absence of conclusive functional and genetic evidence.

Labcorp Genetics (formerly Invitae), Labcorp
Classification: Uncertain significance for Autosomal recessive limb-girdle muscular dystrophy type 2Q; Epidermolysis bullosa simplex, Ogna type; Epidermolysis bullosa simplex with nail dystrophy; Epidermolysis bullosa simplex 5C, with pyloric atresia; Epidermolysis bullosa simplex 5B, with muscular dystrophy. Last evaluated: 2026-02-01. Review status: criteria provided, single submitter. Criteria: Invitae Variant Classification Sherloc (09022015). Collection method: clinical testing. Allele origin: germline.
Comment: This variant, c.13560_13571dup, results in the insertion of 4 amino acid(s) of the PLEC protein (p.Thr4522_Arg4525dup), but otherwise preserves the integrity of the reading frame. This variant is present in population databases (rs782613077, gnomAD 0.006%). This variant has not been reported in the literature in individuals affected with PLEC-related conditions. ClinVar contains an entry for this variant (Variation ID: 1050680). Experimental studies and prediction algorithms are not available or were not evaluated, and the functional significance of this variant is currently unknown. In summary, the available evidence is currently insufficient to determine the role of this variant in disease. Therefore, it has been classified as a Variant of Uncertain Significance.

Department of Pathology and Laboratory Medicine, Sinai Health System
Classification: Uncertain significance. Review status: no assertion criteria provided. Collection method: clinical testing. Allele origin: unknown. Affected: yes. Study: The Canadian Open Genetics Repository (COGR). Not counted in ClinVar's aggregate classification.
Comment: The PLEC p.Thr4495_Arg4498dup variant was not identified in the literature nor was it identified in ClinVar, Cosmic or LOVD 3.0. The variant was identified in dbSNP (ID: rs782613077) with unknown clinical significance. The variant was identified in control databases in 3 of 208692 chromosomes at a frequency of 0.000014 (Genome Aggregation Database Feb 27, 2017). The variant was observed in the following populations: Latino in 2 of 31860 chromosomes (freq: 0.000063) and South Asian in 1 of 29326 chromosomes (freq: 0.000034); it was not observed in the African, Ashkenazi Jewish, East Asian, European (Finnish), European (non-Finnish) or Other populations. The variant occurs outside of the splicing consensus sequence and in silico or computational prediction software programs (SpliceSiteFinder, MaxEntScan, NNSPLICE, GeneSplicer) do not predict a difference in splicing. This variant is an in-frame insertion resulting in a duplication between the residues Thr4495 and Arg4498; the impact of this alteration on the PLEC protein function is not known. This duplication occurs in a plectin repeat region at the end of the protein and therefore it is possible that the variation will not have an effect on the protein function. In summary, based on the above information the clinical significance of this variant cannot be determined with certainty at this time. This variant is classified as a variant of uncertain significance.